The following is an entry in ClinVar:

NM_152383.5(DIS3L2):c.1675A>C (p.Thr559Pro)

Gene: DIS3L2 (DIS3 like 3'-5' exoribonuclease 2; plus strand). Cytogenetic location: 2q37.1.
Variant type: single nucleotide variant.
Coding change: c.1675A>C on transcript NM_152383.5 (MANE Select); coding-DNA position 1675, A replaced by C.
Protein change: p.Thr559Pro; replaces threonine 559 with proline.
Molecular consequence: missense variant. On other transcripts: non-coding transcript variant (2), intron variant (1).
Genome position (GRCh38, 1-based): chr2:232,300,055, A>C. VCF-style: chr2-232300055-A-C. GRCh37 (hg19) VCF-style: chr2-233164765-A-C.
Other names: c.1581+36693A>C (NM_001257281.2); short protein forms T559P.
Identifiers: ClinVar variation 531921 (VCV000531921.8), dbSNP rs755569735, ClinGen allele CA2164233.
Genomic context (GRCh38, chr2:232,300,055, plus strand): 5'-GAGCATGCTGCCTAAAACTTCTTTTTCTCTTCTCTCTCTCTTCAGCTAAAGCTTGCTTTC[A>C]CTCTGGACCACGAGACCGGATTGCCTCAAGGATGTCATATCTATGAGTACCGCGAGAGCA-3'
Protein context (NP_689596.4, residues 549-569): LRLDQLKLAF[Thr559Pro]LDHETGLPQG

ClinVar aggregate classification (germline): Uncertain significance (1 of 4 stars; one submission).

Conditions:
Perlman syndrome (PRLMNS). Identifiers: Orphanet 2849, MedGen C0796113, MONDO:0009965, OMIM 267000.

Allele frequency attached by ClinVar (database versions not stated): ExAC 0.00001; gnomAD exomes 0.00001.
gnomAD v4.1: 2 of 1,613,598 alleles (0.00012%); highest among the groups gnomAD compares: South Asian, 0.0022%; no homozygotes.

Submission:

Labcorp Genetics (formerly Invitae), Labcorp
Classification: Uncertain significance for Perlman syndrome. Last evaluated: 2017-09-05. Review status: criteria provided, single submitter. Criteria: Invitae Variant Classification Sherloc (09022015). Collection method: clinical testing. Allele origin: germline.
Comment: Algorithms developed to predict the effect of missense changes on protein structure and function do not agree on the potential impact of this missense change (SIFT: "Tolerated"; PolyPhen-2: "Probably Damaging"; Align-GVGD: "Class C0"). This sequence change replaces threonine with proline at codon 559 of the DIS3L2 protein (p.Thr559Pro). The threonine residue is moderately conserved and there is a small physicochemical difference between threonine and proline. This variant is present in population databases (rs755569735, ExAC 0.006%). This variant has not been reported in the literature in individuals with DIS3L2-related disease. In summary, the available evidence is currently insufficient to determine the role of this variant in disease. Therefore, it has been classified as a Variant of Uncertain Significance.